The following is an entry in ClinVar:

ClinVar aggregate classification (germline): Uncertain significance (1 of 4 stars; one submission).

Allele frequency attached by ClinVar (database versions not stated): TOPMed below 0.00001; gnomAD 0.00001.
gnomAD v4.1: 1 of 1,613,876 alleles (0.000062%); highest among the groups gnomAD compares: African/African-American, 0.0013%; no homozygotes.

Submission:

Labcorp Genetics (formerly Invitae), Labcorp
Classification: Uncertain significance. Last evaluated: 2023-08-30. Review status: criteria provided, single submitter. Criteria: Invitae Variant Classification Sherloc (09022015). Collection method: clinical testing. Allele origin: germline.
Comment: In summary, the available evidence is currently insufficient to determine the role of this variant in disease. Therefore, it has been classified as a Variant of Uncertain Significance. An algorithm developed to predict the effect of missense changes on protein structure and function (PolyPhen-2) suggests that this variant is likely to be disruptive. ClinVar contains an entry for this variant (Variation ID: 1427414). This variant has not been reported in the literature in individuals affected with CCDC88A-related conditions. This variant is not present in population databases (gnomAD no frequency). This sequence change replaces alanine, which is neutral and non-polar, with glycine, which is neutral and non-polar, at codon 258 of the CCDC88A protein (p.Ala258Gly).

NM_001365480.1(CCDC88A):c.773C>G (p.Ala258Gly)

Gene: CCDC88A (coiled-coil and HOOK domain protein 88A; minus strand). Cytogenetic location: 2p16.1.
Variant type: single nucleotide variant.
Coding change: c.773C>G on transcript NM_001365480.1 (MANE Select); coding-DNA position 773, C replaced by G.
Protein change: p.Ala258Gly; replaces alanine 258 with glycine.
Molecular consequence: missense variant.
Genome position (GRCh38, 1-based): chr2:55,355,606, G>C on the plus strand (C>G on the coding strand, the complement: CCDC88A is on the minus strand). VCF-style: chr2-55355606-G-C. GRCh37 (hg19) VCF-style: chr2-55582742-G-C.
Other names: c.773C>G, p.Ala258Gly (NM_018084.5, NM_001135597.2, NM_001254943.2); short protein forms A258G.
Identifiers: ClinVar variation 1427414 (VCV001427414.6), dbSNP rs1248469689, ClinGen allele CA346909731.